The following is an entry in ClinVar:

NM_001379500.1(COL18A1):c.2414T>C (p.Ile805Thr)

Gene: COL18A1 (collagen type XVIII alpha 1 chain; plus strand). Cytogenetic location: 21q22.3.
Variant type: single nucleotide variant.
Coding change: c.2414T>C on transcript NM_001379500.1 (MANE Select); coding-DNA position 2414, T replaced by C.
Protein change: p.Ile805Thr; replaces isoleucine 805 with threonine.
Molecular consequence: missense variant.
Genome position (GRCh38, 1-based): chr21:45,494,896, T>C. VCF-style: chr21-45494896-T-C. GRCh37 (hg19) VCF-style: chr21-46914810-T-C.
Other names: c.2954T>C, p.Ile985Thr (NM_030582.4); c.3659T>C, p.Ile1220Thr (NM_130444.3); short protein forms I1220T, I805T, I985T.
Identifiers: ClinVar variation 1493698 (VCV001493698.3), dbSNP rs1188507928, ClinGen allele CA410497677.

ClinVar aggregate classification (germline): Uncertain significance (1 of 4 stars; one submission).

Allele frequency attached by ClinVar (database versions not stated): gnomAD exomes 0.00001; TOPMed 0.00001.

Submission:

Labcorp Genetics (formerly Invitae), Labcorp
Classification: Uncertain significance. Last evaluated: 2021-06-05. Review status: criteria provided, single submitter. Criteria: Invitae Variant Classification Sherloc (09022015). Collection method: clinical testing. Allele origin: germline.
Comment: This sequence change replaces isoleucine with threonine at codon 805 of the COL18A1 protein (p.Ile805Thr). The isoleucine residue is moderately conserved and there is a moderate physicochemical difference between isoleucine and threonine. This variant is not present in population databases (ExAC no frequency). This variant has not been reported in the literature in individuals with COL18A1-related conditions. Experimental studies and prediction algorithms are not available or were not evaluated, and the functional significance of this variant is currently unknown. In summary, the available evidence is currently insufficient to determine the role of this variant in disease. Therefore, it has been classified as a Variant of Uncertain Significance.